The following is an entry in ClinVar:

NM_004082.5(DCTN1):c.2363A>C (p.Glu788Ala)

Gene: DCTN1 (dynactin subunit 1; minus strand). Cytogenetic location: 2p13.1.
Variant type: single nucleotide variant.
Coding change: c.2363A>C on transcript NM_004082.5 (MANE Select); coding-DNA position 2363, A replaced by C.
Protein change: p.Glu788Ala; replaces glutamic acid 788 with alanine.
Molecular consequence: missense variant. On other transcripts: non-coding transcript variant (1).
Genome position (GRCh38, 1-based): chr2:74,366,886, T>G on the plus strand (A>C on the coding strand, the complement: DCTN1 is on the minus strand). VCF-style: chr2-74366886-T-G. GRCh37 (hg19) VCF-style: chr2-74594013-T-G.
Other names: c.2303A>C, p.Glu768Ala (NM_001135040.3); c.1961A>C, p.Glu654Ala (NM_001135041.3, NM_023019.4); c.2252A>C, p.Glu751Ala (NM_001190836.2); c.2342A>C, p.Glu781Ala (NM_001190837.2); c.2312A>C, p.Glu771Ala (NM_001378991.1); c.2294A>C, p.Glu765Ala (NM_001378992.1); short protein forms E768A, E654A, E765A, E771A, E781A, E788A, E751A.
Identifiers: ClinVar variation 4783535 (VCV004783535.1).

ClinVar aggregate classification (germline): Uncertain significance (1 of 4 stars; one submission).

Conditions:
Amyotrophic lateral sclerosis type 1 (ALS1). Also called: AMYOTROPHIC LATERAL SCLEROSIS 1, FAMILIAL. Identifiers: Orphanet 803, MedGen C1862939, MONDO:0007103, OMIM 105400.
Neuronopathy, distal hereditary motor, type 7B. Also called: NEURONOPATHY, DISTAL HEREDITARY MOTOR, AUTOSOMAL DOMINANT 14; NEURONOPATHY, DISTAL HEREDITARY MOTOR, HARDING TYPE VIIB; NEUROPATHY, DISTAL HEREDITARY MOTOR, HARDING TYPE VIIB; NEUROPATHY, DISTAL HEREDITARY MOTOR, WITH VOCAL CORD PARALYSIS, HARDING TYPE VIIB; Distal Hereditary Motor Neuronopathy Type 7B (dHMN7B); HMN VIIB. Identifiers: Orphanet 139589, MedGen C1843315, MONDO:0011879, OMIM 607641.
Perry syndrome. Also called: PARKINSONISM WITH ALVEOLAR HYPOVENTILATION AND MENTAL DEPRESSION. Identifiers: Orphanet 178509, MedGen C1868594, MONDO:0008201, OMIM 168605.

Submission:

Labcorp Genetics (formerly Invitae), Labcorp
Classification: Uncertain significance for Amyotrophic lateral sclerosis type 1; Neuronopathy, distal hereditary motor, type 7B; Perry syndrome. Last evaluated: 2025-08-03. Review status: criteria provided, single submitter. Criteria: Invitae Variant Classification Sherloc (09022015). Collection method: clinical testing. Allele origin: germline.
Comment: This sequence change replaces glutamic acid, which is acidic and polar, with alanine, which is neutral and non-polar, at codon 788 of the DCTN1 protein (p.Glu788Ala). This variant is not present in population databases (gnomAD no frequency). This variant has not been reported in the literature in individuals affected with DCTN1-related conditions. Invitae Evidence Modeling of protein sequence and biophysical properties (such as structural, functional, and spatial information, amino acid conservation, physicochemical variation, residue mobility, and thermodynamic stability) indicates that this missense variant is not expected to disrupt DCTN1 protein function with a negative predictive value of 95%. In summary, the available evidence is currently insufficient to determine the role of this variant in disease. Therefore, it has been classified as a Variant of Uncertain Significance.